The following is an entry in ClinVar:

NM_001291303.3(FAT4):c.3836C>T (p.Pro1279Leu)

Gene: FAT4 (FAT atypical cadherin 4; plus strand). Cytogenetic location: 4q28.1.
Variant type: single nucleotide variant.
Coding change: c.3836C>T on transcript NM_001291303.3 (MANE Select); coding-DNA position 3836, C replaced by T.
Protein change: p.Pro1279Leu; replaces proline 1279 with leucine.
Molecular consequence: missense variant.
Genome position (GRCh38, 1-based): chr4:125,320,247, C>T. VCF-style: chr4-125320247-C-T. GRCh37 (hg19) VCF-style: chr4-126241402-C-T.
Other names: c.3836C>T, p.Pro1279Leu (NM_001291285.3, NM_024582.6); short protein forms P1279L.
Identifiers: ClinVar variation 1487536 (VCV001487536.4), dbSNP rs1299025550, ClinGen allele CA358124845.
Genomic context (GRCh38, chr4:125,320,247, plus strand): 5'-CTATAGACAGTACCTCTGGTCAGGTAACACTAATTGGCAAATTAGACTATGAAGCAACAC[C>T]TGCCTATTCCCTTGTAATTCAAGCAGTGGATTCAGGGACAATCCCCCTCAATTCAACGTG-3'
Protein context (NP_001278232.1, residues 1269-1289): LIGKLDYEAT[Pro1279Leu]AYSLVIQAVD

ClinVar aggregate classification (germline): Uncertain significance (1 of 4 stars; one submission).

Allele frequency attached by ClinVar (database versions not stated): gnomAD exomes below 0.00001; TOPMed 0.00001; gnomAD 0.00002.
gnomAD v4.1: 4 of 1,614,046 alleles (0.00025%); highest among the groups gnomAD compares: African/African-American, 0.0053%; no homozygotes.

Submission:

Labcorp Genetics (formerly Invitae), Labcorp
Classification: Uncertain significance. Last evaluated: 2022-08-31. Review status: criteria provided, single submitter. Criteria: Invitae Variant Classification Sherloc (09022015). Collection method: clinical testing. Allele origin: germline.
Comment: This variant has not been reported in the literature in individuals affected with FAT4-related conditions. In summary, the available evidence is currently insufficient to determine the role of this variant in disease. Therefore, it has been classified as a Variant of Uncertain Significance. Advanced modeling of protein sequence and biophysical properties (such as structural, functional, and spatial information, amino acid conservation, physicochemical variation, residue mobility, and thermodynamic stability) performed at Invitae indicates that this missense variant is not expected to disrupt FAT4 protein function. ClinVar contains an entry for this variant (Variation ID: 1487536). This variant is present in population databases (no rsID available, gnomAD 0.007%). This sequence change replaces proline, which is neutral and non-polar, with leucine, which is neutral and non-polar, at codon 1279 of the FAT4 protein (p.Pro1279Leu).